The following is an entry in ClinVar:

NM_001318852.2(MAPK8IP3):c.1385A>G (p.Glu462Gly)

Gene: MAPK8IP3 (mitogen-activated protein kinase 8 interacting protein 3; plus strand). Cytogenetic location: 16p13.3.
Variant type: single nucleotide variant.
Coding change: c.1385A>G on transcript NM_001318852.2 (MANE Select); coding-DNA position 1385, A replaced by G.
Protein change: p.Glu462Gly; replaces glutamic acid 462 with glycine.
Molecular consequence: missense variant.
Genome position (GRCh38, 1-based): chr16:1,760,460, A>G. VCF-style: chr16-1760460-A-G. GRCh37 (hg19) VCF-style: chr16-1810461-A-G.
Other names: c.1364A>G, p.Glu455Gly (NM_001040439.2); c.1382A>G, p.Glu461Gly (NM_015133.5); short protein forms E455G, E461G, E462G.
Identifiers: ClinVar variation 916591 (VCV000916591.2), dbSNP rs1596766963, ClinGen allele CA394231344.

ClinVar aggregate classification (germline): Likely pathogenic. Review status: criteria provided, multiple submitters, no conflicts (2 of 4 stars). 2 submissions from 2 submitters: Likely pathogenic (2). Last evaluated 2022-07-08.

Conditions:
Neurodevelopmental disorder with or without variable brain abnormalities; NEDBA. Also called: NEURODEVELOPMENTAL DISORDER WITH OR WITHOUT VARIABLE BRAIN ABNORMALITIES. Identifiers: MedGen C5193102, MONDO:0032755, OMIM 618443.

Submissions (2):

GeneDx
Classification: Likely pathogenic. Last evaluated: 2022-07-08. Review status: criteria provided, single submitter. Criteria: GeneDx Variant Classification Process June 2021. Collection method: clinical testing. Allele origin: germline. Affected: yes.
Comment: Not observed at significant frequency in large population cohorts (gnomAD); In silico analysis supports that this missense variant has a deleterious effect on protein structure/function; This variant is associated with the following publications: (PMID: 30612693, 28213671)

Institute of Human Genetics, University of Leipzig Medical Center
Classification: Likely pathogenic for Neurodevelopmental disorder with or without variable brain abnormalities; NEDBA. Last evaluated: 2019-02-07. Review status: criteria provided, single submitter. Criteria: ACMG Guidelines, 2015. Collection method: clinical testing. Allele origin: de novo. Affected: yes.
Comment: This variant was identified as de novo (maternity and paternity confirmed).

Literature cited by the submitters: PubMed 30612693 (cited by Institute of Human Genetics, University of Leipzig Medical Center).